The following is an entry in ClinVar:

ClinVar aggregate classification (germline): Uncertain significance (1 of 4 stars; one submission).

Conditions:
FG syndrome (FGS). Identifiers: MedGen C0220769, MONDO:0002010.

gnomAD v4.1: 1 of 1,211,900 alleles (0.000083%); highest among the groups gnomAD compares: Admixed American, 0.0022%; no homozygotes.

Submission:

Labcorp Genetics (formerly Invitae), Labcorp
Classification: Uncertain significance for FG syndrome. Last evaluated: 2022-09-15. Review status: criteria provided, single submitter. Criteria: Invitae Variant Classification Sherloc (09022015). Collection method: clinical testing. Allele origin: germline.
Comment: This sequence change replaces glutamine, which is neutral and polar, with lysine, which is basic and polar, at codon 354 of the MED12 protein (p.Gln354Lys). The frequency data for this variant in the population databases is considered unreliable, as metrics indicate poor data quality at this position in the gnomAD database. This variant has not been reported in the literature in individuals affected with MED12-related conditions. Advanced modeling of protein sequence and biophysical properties (such as structural, functional, and spatial information, amino acid conservation, physicochemical variation, residue mobility, and thermodynamic stability) has been performed at Invitae for this missense variant, however the output from this modeling did not meet the statistical confidence thresholds required to predict the impact of this variant on MED12 protein function. In summary, the available evidence is currently insufficient to determine the role of this variant in disease. Therefore, it has been classified as a Variant of Uncertain Significance.

NM_005120.3(MED12):c.1060C>A (p.Gln354Lys)

Gene: MED12 (mediator complex subunit 12; plus strand). Cytogenetic location: Xq13.1.
Variant type: single nucleotide variant.
Coding change: c.1060C>A on transcript NM_005120.3 (MANE Select); coding-DNA position 1060, C replaced by A.
Protein change: p.Gln354Lys; replaces glutamine 354 with lysine.
Molecular consequence: missense variant.
Genome position (GRCh38, 1-based): chrX:71,121,775, C>A. VCF-style: chrX-71121775-C-A. GRCh37 (hg19) VCF-style: chrX-70341625-C-A.
Other names: short protein forms Q354K.
Identifiers: ClinVar variation 1715973 (VCV001715973.6), dbSNP rs1467434848, ClinGen allele CA413505185.
Genomic context (GRCh38, chrX:71,121,775, plus strand): 5'-CCTCAGCCCCCAACTAGCAGCACACCCTCGACTCCCTTTAGTGACCTGCTTATGTGCCCT[C>A]AGCACCGGCCCCTGGTTTTTGGCCTCAGCTGTATCCTACAGGTAGGTACTAGGCGGGCCC-3'
Protein context (NP_005111.2, residues 344-364): TPFSDLLMCP[Gln354Lys]HRPLVFGLSC